The following is an entry in ClinVar:

NM_004281.4(BAG3):c.1179A>G (p.Glu393=)

Gene: BAG3 (BAG cochaperone 3; plus strand). Cytogenetic location: 10q26.11.
Variant type: single nucleotide variant.
Coding change: c.1179A>G on transcript NM_004281.4 (MANE Select); coding-DNA position 1179, A replaced by G.
Protein change: p.Glu393=; no amino-acid change (glutamic acid 393 retained).
Molecular consequence: synonymous variant.
Genome position (GRCh38, 1-based): chr10:119,676,733, A>G. VCF-style: chr10-119676733-A-G. GRCh37 (hg19) VCF-style: chr10-121436245-A-G.
Other names: c.1179A>G (NM_004281.3).
Identifiers: ClinVar variation 1103939 (VCV001103939.11), dbSNP rs780963692, ClinGen allele CA5716505.
Genomic context (GRCh38, chr10:119,676,733, plus strand): 5'-TCCTCCTCCCAGCCCTGGCCCTTCTGCTGTCCCCTCTTCCCCCAAGAGTGTGGCTACAGA[A>G]GAGAGGGCAGCCCCCAGCACTGCCCCTGCAGAAGCTACACCTCCAAAACCAGGAGAAGCC-3'
Protein context (NP_004272.2, residues 383-403): VPSSPKSVAT[Glu393=]ERAAPSTAPA

ClinVar aggregate classification (germline): Benign/Likely benign. Review status: criteria provided, multiple submitters, no conflicts (2 of 4 stars). 3 submissions from 3 submitters: Benign (1); Likely benign (2). Last evaluated 2025-09-07.

Conditions:
Cardiovascular phenotype. Identifiers: MedGen CN230736.
Myofibrillar myopathy 6. Identifiers: Orphanet 199340, MedGen C2751831, MONDO:0013061, OMIM 612954.
Dilated cardiomyopathy 1HH (CMD1HH). Identifiers: Orphanet 154, MedGen C3151293, MONDO:0013479, OMIM 613881.

Allele frequency attached by ClinVar (database versions not stated): gnomAD 0.00001; TOPMed 0.00002; gnomAD exomes 0.00003 and 0.00006; ExAC 0.00004.
gnomAD v4.1: 16 of 1,613,962 alleles (0.00099%); highest among the groups gnomAD compares: Admixed American, 0.027%; no homozygotes.

Submissions (3):

Labcorp Genetics (formerly Invitae), Labcorp
Classification: Likely benign for Dilated cardiomyopathy 1HH; Myofibrillar myopathy 6. Last evaluated: 2025-09-07. Review status: criteria provided, single submitter. Criteria: Invitae Variant Classification Sherloc (09022015). Collection method: clinical testing. Allele origin: germline.

Women's Health and Genetics/Laboratory Corporation of America, LabCorp
Classification: Benign. Last evaluated: 2025-07-24. Review status: criteria provided, single submitter. Criteria: LabCorp Variant Classification Summary - May 2015. Collection method: clinical testing. Allele origin: germline.
Comment: Variant summary: BAG3 c.1179A>G alters a conserved nucleotide resulting in a synonymous change. Consensus agreement among computation tools predict no significant impact on normal splicing. However, these predictions have yet to be confirmed by functional studies. The variant allele was found at a frequency of 6.4e-05 in 251376 control chromosomes. The observed variant frequency is approximately 1.63 fold of the estimated maximal expected allele frequency for a pathogenic variant in BAG3 causing Dilated Cardiomyopathy phenotype (3.9e-05). To our knowledge, no occurrence of c.1179A>G in individuals affected with Dilated Cardiomyopathy and no experimental evidence demonstrating its impact on protein function have been reported. ClinVar contains an entry for this variant (Variation ID: 1103939). Based on the evidence outlined above, the variant was classified as benign.

Ambry Genetics
Classification: Likely benign for Cardiovascular phenotype. Last evaluated: 2025-01-04. Review status: criteria provided, single submitter. Criteria: Ambry Variant Classification Scheme 2023. Collection method: clinical testing. Allele origin: germline.